The following is an entry in ClinVar:

ClinVar aggregate classification (germline): Uncertain significance (1 of 4 stars; one submission).

Conditions:
Neurodevelopmental disorder with impaired speech and hyperkinetic movements. Identifiers: MedGen C5193088, MONDO:0032741, OMIM 618425.

gnomAD v4.1: 2 of 1,605,506 alleles (0.00012%); highest among the groups gnomAD compares: South Asian, 0.0011%; no homozygotes.

Submission:

Victorian Clinical Genetics Services, Murdoch Childrens Research Institute
Classification: Uncertain significance for Neurodevelopmental disorder with impaired speech and hyperkinetic movements. Last evaluated: 2024-10-08. Review status: criteria provided, single submitter. Criteria: ACMG Guidelines, 2015. Collection method: clinical testing. Allele origin: germline. Inheritance: Autosomal recessive inheritance. Affected: yes.
Comment: Based on the classification scheme VCGS_Germline_v1.3.4, this variant is classified as VUS-3B. Following criteria are met: 0102 - Loss of function is a known mechanism of disease in this gene and is associated with neurodevelopmental disorder with impaired speech and hyperkinetic movements. (I) 0106 - This gene is associated with autosomal recessive disease. (I) 0115 - Variants in this gene are known to have variable expressivity. Patients have been reported to have variable severity of seizures, tremor, and dystonia (PMID:31036918). (I) 0200 - Variant is predicted to result in a missense amino acid change from tyrosine to cysteine. (I) 0251 - This variant is heterozygous. (I) 0304 - Variant is present in gnomAD (v2) <0.01 for a recessive condition (2 heterozygotes, 0 homozygotes). (SP) 0501 - Missense variant consistently predicted to be damaging by multiple in silico tools or highly conserved with a major amino acid change. (SP) 0604 - Variant is not located in an established domain, motif, hotspot or informative constraint region. (I) 0705 - No comparable missense variants have previous evidence for pathogenicity. (I) 0807 - This variant has no previous evidence of pathogenicity. (I) 0905 - No published segregation evidence has been identified for this variant. (I) 1296 - No published functional evidence has been identified for this variant. (I) Legend: (SP) - Supporting pathogenic, (I) - Information, (SB) - Supporting benign

Literature cited by the submitters: PubMed 31036918.

NM_001379659.1(ZNF142):c.2054A>G (p.Tyr685Cys)

Gene: ZNF142 (zinc finger protein 142; minus strand). Cytogenetic location: 2q35.
Variant type: single nucleotide variant.
Coding change: c.2054A>G on transcript NM_001379659.1 (MANE Select); coding-DNA position 2054, A replaced by G.
Protein change: p.Tyr685Cys; replaces tyrosine 685 with cysteine.
Molecular consequence: missense variant.
Genome position (GRCh38, 1-based): chr2:218,645,062, T>C on the plus strand (A>G on the coding strand, the complement: ZNF142 is on the minus strand). VCF-style: chr2-218645062-T-C. GRCh37 (hg19) VCF-style: chr2-219509785-T-C.
Other names: c.1454A>G, p.Tyr485Cys (NM_001105537.5, NM_001379662.1, NM_001366291.3); c.2054A>G, p.Tyr685Cys (NM_001379660.1, NM_001379661.1, NM_001366290.3); c.965A>G, p.Tyr322Cys (NM_001366287.3, NM_001366288.3, NM_001366289.3); short protein forms Y322C, Y485C, Y685C.
Identifiers: ClinVar variation 3377031 (VCV003377031.1).